The following is an entry in ClinVar:

NM_007254.4(PNKP):c.825C>G (p.Asp275Glu)

Gene: PNKP (polynucleotide kinase 3'-phosphatase; minus strand). Cytogenetic location: 19q13.33.
Variant type: single nucleotide variant.
Coding change: c.825C>G on transcript NM_007254.4 (MANE Select); coding-DNA position 825, C replaced by G.
Protein change: p.Asp275Glu; replaces aspartic acid 275 with glutamic acid.
Molecular consequence: missense variant.
Genome position (GRCh38, 1-based): chr19:49,862,730, G>C on the plus strand (C>G on the coding strand, the complement: PNKP is on the minus strand). VCF-style: chr19-49862730-G-C. GRCh37 (hg19) VCF-style: chr19-50365987-G-C.
Other names: short protein forms D275E.
Identifiers: ClinVar variation 1040088 (VCV001040088.6), dbSNP rs2074787530, ClinGen allele CA406882434.
Genomic context (GRCh38, chr19:49,862,730, plus strand): 5'-AGCAGCCTCCAGGCCCTTACCTCCCACAAAGATGCTGTCCCCGATGGATATGGGCGTGCC[G>C]TCGTTGGCCTACGGGAGACGGTAGTGAGGAGGCCCTTCCCACAAATGTCCCCCCGCAGCG-3'
Protein context (NP_009185.2, residues 265-285): MWDHLQEQAN[Asp275Glu]GTPISIGDSI

ClinVar aggregate classification (germline): Uncertain significance (1 of 4 stars; one submission).

Conditions:
Developmental and epileptic encephalopathy, 12 (DEE12). Identifiers: MedGen C3150988, MONDO:0013389, OMIM 613722.

gnomAD v4.1: 1 of 1,614,090 alleles (0.000062%); highest among the groups gnomAD compares: Admixed American, 0.0017%; no homozygotes.

Submission:

Labcorp Genetics (formerly Invitae), Labcorp
Classification: Uncertain significance for Developmental and epileptic encephalopathy, 12. Last evaluated: 2021-09-01. Review status: criteria provided, single submitter. Criteria: Invitae Variant Classification Sherloc (09022015). Collection method: clinical testing. Allele origin: germline.
Comment: This sequence change replaces aspartic acid with glutamic acid at codon 275 of the PNKP protein (p.Asp275Glu). The aspartic acid residue is weakly conserved and there is a small physicochemical difference between aspartic acid and glutamic acid. This variant is not present in population databases (ExAC no frequency). This variant has not been reported in the literature in individuals affected with PNKP-related conditions. Algorithms developed to predict the effect of missense changes on protein structure and function output the following: SIFT: "Tolerated"; PolyPhen-2: "Benign"; Align-GVGD: "Class C0". The glutamic acid amino acid residue is found in multiple mammalian species, which suggests that this missense change does not adversely affect protein function. In summary, the available evidence is currently insufficient to determine the role of this variant in disease. Therefore, it has been classified as a Variant of Uncertain Significance.